The following is an entry in ClinVar:

NM_001253852.3(AP4B1):c.229C>T (p.Pro77Ser)

Gene: AP4B1 (adaptor related protein complex 4 subunit beta 1; minus strand). Cytogenetic location: 1p13.2.
Variant type: single nucleotide variant.
Coding change: c.229C>T on transcript NM_001253852.3 (MANE Select); coding-DNA position 229, C replaced by T.
Protein change: p.Pro77Ser; replaces proline 77 with serine.
Molecular consequence: missense variant. On other transcripts: intron variant (2).
Genome position (GRCh38, 1-based): chr1:113,902,747, G>A on the plus strand (C>T on the coding strand, the complement: AP4B1 is on the minus strand). VCF-style: chr1-113902747-G-A. GRCh37 (hg19) VCF-style: chr1-114445369-G-A.
Other names: c.229C>T, p.Pro77Ser (NM_006594.5); c.-56-13C>T (NM_001253853.3); c.113+1858C>T (NM_001308312.2); short protein forms P77S.
Identifiers: ClinVar variation 2005419 (VCV002005419.4), dbSNP rs2526654210, ClinGen allele CA341691392.

ClinVar aggregate classification (germline): Uncertain significance (1 of 4 stars; one submission).

Conditions:
Hereditary spastic paraplegia 47. Also called: adaptor protein 4 (AP-4) deficiency syndrome; Spastic paraplegia 47, autosomal recessive; CEREBRAL PALSY, SPASTIC QUADRIPLEGIC, 5. Identifiers: Orphanet 280763, MedGen C3279738, MONDO:0013551, OMIM 614066.

Submission:

Labcorp Genetics (formerly Invitae), Labcorp
Classification: Uncertain significance for Hereditary spastic paraplegia 47. Last evaluated: 2025-05-27. Review status: criteria provided, single submitter. Criteria: Invitae Variant Classification Sherloc (09022015). Collection method: clinical testing. Allele origin: germline.
Comment: This sequence change replaces proline, which is neutral and non-polar, with serine, which is neutral and polar, at codon 77 of the AP4B1 protein (p.Pro77Ser). This variant is not present in population databases (gnomAD no frequency). This variant has not been reported in the literature in individuals affected with AP4B1-related conditions. ClinVar contains an entry for this variant (Variation ID: 2005419). Invitae Evidence Modeling of protein sequence and biophysical properties (such as structural, functional, and spatial information, amino acid conservation, physicochemical variation, residue mobility, and thermodynamic stability) indicates that this missense variant is not expected to disrupt AP4B1 protein function with a negative predictive value of 80%. In summary, the available evidence is currently insufficient to determine the role of this variant in disease. Therefore, it has been classified as a Variant of Uncertain Significance.